The following is an entry in ClinVar:

ClinVar aggregate classification (germline): Uncertain significance (1 of 4 stars; one submission).

Conditions:
Primary dilated cardiomyopathy (DCM). Also called: Dilated Cardiomyopathy. Identifiers: Orphanet 217604, MedGen C0007193, MeSH D002311, MONDO:0005021, HP:0001644. Inheritance: Various modes of inheritance.

gnomAD v4.1: 1 of 1,498,478 alleles (0.000067%); highest among the groups gnomAD compares: Non-Finnish European, 0.000088%; no homozygotes.

Submission:

Labcorp Genetics (formerly Invitae), Labcorp
Classification: Uncertain significance for Primary dilated cardiomyopathy. Last evaluated: 2022-08-12. Review status: criteria provided, single submitter. Criteria: Invitae Variant Classification Sherloc (09022015). Collection method: clinical testing. Allele origin: germline.
Comment: This variant has not been reported in the literature in individuals affected with TXNRD2-related conditions. This variant is not present in population databases (gnomAD no frequency). This sequence change replaces glutamine, which is neutral and polar, with leucine, which is neutral and non-polar, at codon 20 of the TXNRD2 protein (p.Gln20Leu). In summary, the available evidence is currently insufficient to determine the role of this variant in disease. Therefore, it has been classified as a Variant of Uncertain Significance. Algorithms developed to predict the effect of missense changes on protein structure and function (SIFT, PolyPhen-2, Align-GVGD) all suggest that this variant is likely to be tolerated.

NM_006440.5(TXNRD2):c.59A>T (p.Gln20Leu)

Genes: TXNRD2 (thioredoxin reductase 2; minus strand), LOC130066960 (ATAC-STARR-seq lymphoblastoid silent region 13467; plus strand). Cytogenetic location: 22q11.21.
Variant type: single nucleotide variant.
Coding change: c.59A>T on transcript NM_006440.5 (MANE Select); coding-DNA position 59, A replaced by T.
Protein change: p.Gln20Leu; replaces glutamine 20 with leucine.
Molecular consequence: missense variant. On other transcripts: non-coding transcript variant (1).
Genome position (GRCh38, 1-based): chr22:19,941,745, T>A on the plus strand (A>T on the coding strand, the complement: TXNRD2 is on the minus strand). VCF-style: chr22-19941745-T-A. GRCh37 (hg19) VCF-style: chr22-19929268-T-A.
Other names: c.59A>T, p.Gln20Leu (NM_001282512.3, NM_001352300.2); c.-244T>A (NM_000754.3); short protein forms Q20L.
Identifiers: ClinVar variation 1716283 (VCV001716283.6), dbSNP rs779542396, ClinGen allele CA410700077.
Genomic context (GRCh38, chr22:19,941,745, plus strand): 5'-CCCGACCCCATCCTACCTGCTGCGCCCCGCGCCGCGCCCCGCACCCCGCCCGCCACGGCC[T>A]GCGTCCGCCACCGGAAGCGCCCTCCTAATCCCCGCAGCGCCACCGCCATTGCCGCCATCG-3'
Protein context (NP_006431.2, residues 10-30): GLGGRFRWRT[Gln20Leu]AVAGGVRGAA